The following is an entry in ClinVar:

NM_032833.5(PPP1R15B):c.587C>T (p.Ser196Phe)

Gene: PPP1R15B (protein phosphatase 1 regulatory subunit 15B; minus strand). Cytogenetic location: 1q32.1.
Variant type: single nucleotide variant.
Coding change: c.587C>T on transcript NM_032833.5 (MANE Select); coding-DNA position 587, C replaced by T.
Protein change: p.Ser196Phe; replaces serine 196 with phenylalanine.
Molecular consequence: missense variant.
Genome position (GRCh38, 1-based): chr1:204,410,825, G>A on the plus strand (C>T on the coding strand, the complement: PPP1R15B is on the minus strand). VCF-style: chr1-204410825-G-A. GRCh37 (hg19) VCF-style: chr1-204379953-G-A.
Other names: short protein forms S196F.
Identifiers: ClinVar variation 2214340 (VCV002214340.5), dbSNP rs746115589, ClinGen allele CA1346783.

ClinVar aggregate classification (germline): Uncertain significance. Review status: criteria provided, multiple submitters, no conflicts (2 of 4 stars). 2 submissions from 2 submitters: Uncertain significance (2). Last evaluated 2023-03-24.

Conditions:
Inborn genetic diseases. Identifiers: MedGen C0950123, MeSH D030342.

Allele frequency attached by ClinVar (database versions not stated): TOPMed below 0.00001; gnomAD 0.00001; ExAC 0.00006.
gnomAD v4.1: 12 of 1,614,130 alleles (0.00074%); highest among the groups gnomAD compares: Admixed American, 0.02%; no homozygotes.

Submissions (2):

Labcorp Genetics (formerly Invitae), Labcorp
Classification: Uncertain significance. Last evaluated: 2023-03-24. Review status: criteria provided, single submitter. Criteria: Invitae Variant Classification Sherloc (09022015). Collection method: clinical testing. Allele origin: germline.
Comment: In summary, the available evidence is currently insufficient to determine the role of this variant in disease. Therefore, it has been classified as a Variant of Uncertain Significance. Advanced modeling of protein sequence and biophysical properties (such as structural, functional, and spatial information, amino acid conservation, physicochemical variation, residue mobility, and thermodynamic stability) performed at Invitae indicates that this missense variant is not expected to disrupt PPP1R15B protein function. ClinVar contains an entry for this variant (Variation ID: 2214340). This variant has not been reported in the literature in individuals affected with PPP1R15B-related conditions. This variant is present in population databases (rs746115589, gnomAD 0.03%). This sequence change replaces serine, which is neutral and polar, with phenylalanine, which is neutral and non-polar, at codon 196 of the PPP1R15B protein (p.Ser196Phe).

Ambry Genetics
Classification: Uncertain significance for Inborn genetic diseases. Last evaluated: 2021-08-23. Review status: criteria provided, single submitter. Criteria: Ambry Variant Classification Scheme 2023. Collection method: clinical testing. Allele origin: germline.